The following is an entry in ClinVar:

NM_006979.3(SLC39A7):c.152A>T (p.His51Leu)

Gene: SLC39A7 (solute carrier family 39 member 7; plus strand). Cytogenetic location: 6p21.32.
Variant type: single nucleotide variant.
Coding change: c.152A>T on transcript NM_006979.3 (MANE Select); coding-DNA position 152, A replaced by T.
Protein change: p.His51Leu; replaces histidine 51 with leucine.
Molecular consequence: missense variant. On other transcripts: intron variant (1).
Genome position (GRCh38, 1-based): chr6:33,201,397, A>T. VCF-style: chr6-33201397-A-T. GRCh37 (hg19) VCF-style: chr6-33169174-A-T.
Other names: c.152A>T, p.His51Leu (NM_001077516.2); c.52+9A>T (NM_001288777.2); c.152A>T (NM_006979.2); short protein forms H51L.
Identifiers: ClinVar variation 1956482 (VCV001956482.4), dbSNP rs763865179, ClinGen allele CA3752201.
Genomic context (GRCh38, chr6:33,201,397, plus strand): 5'-ATGACGACCTGCACGACGATCTGCAAGAGGACTTCCATGGCCACAGCCACAGGCACTCAC[A>T]TGAAGATTTCCACCATGGCCACAGCCATGCCCATGGCCATGGCCACACTCACGAGAGCAT-3'
Protein context (NP_008910.2, residues 41-61): DFHGHSHRHS[His51Leu]EDFHHGHSHA

ClinVar aggregate classification (germline): Uncertain significance. Review status: criteria provided, multiple submitters, no conflicts (2 of 4 stars). 2 submissions from 2 submitters: Uncertain significance (2). Last evaluated 2025-11-20.

Allele frequency attached by ClinVar (database versions not stated): gnomAD exomes 0.00001; ExAC 0.00002.
gnomAD v4.1: 6 of 1,614,040 alleles (0.00037%); highest among the groups gnomAD compares: Admixed American, 0.0083%; no homozygotes.

Submissions (2):

Ambry Genetics
Classification: Uncertain significance. Last evaluated: 2025-11-20. Review status: criteria provided, single submitter. Criteria: Ambry Variant Classification Scheme 2023. Collection method: clinical testing. Allele origin: germline.

Labcorp Genetics (formerly Invitae), Labcorp
Classification: Uncertain significance. Last evaluated: 2022-08-09. Review status: criteria provided, single submitter. Criteria: Invitae Variant Classification Sherloc (09022015). Collection method: clinical testing. Allele origin: germline.
Comment: In summary, the available evidence is currently insufficient to determine the role of this variant in disease. Therefore, it has been classified as a Variant of Uncertain Significance. Algorithms developed to predict the effect of missense changes on protein structure and function are either unavailable or do not agree on the potential impact of this missense change (SIFT: "Deleterious"; PolyPhen-2: "Not Available"; Align-GVGD: "Class C15"). This variant has not been reported in the literature in individuals affected with SLC39A7-related conditions. This variant is present in population databases (rs763865179, gnomAD 0.003%). This sequence change replaces histidine, which is basic and polar, with leucine, which is neutral and non-polar, at codon 51 of the SLC39A7 protein (p.His51Leu).